The following is an entry in ClinVar:

ClinVar aggregate classification (germline): Uncertain significance. Review status: criteria provided, multiple submitters, no conflicts (2 of 4 stars). 6 submissions from 6 submitters: Uncertain significance (6). Last evaluated 2025-12-14.

Conditions:
Familial colorectal cancer type X. Identifiers: Orphanet 440437, MedGen C3896578, MONDO:0018604.
Polymerase proofreading-related adenomatous polyposis. Also called: Polymerase proofreading associated polyposis; Polymerase proofreading–associated polyposis (PPAP). Identifiers: Orphanet 447877, MedGen C5202613, MONDO:0018653.
Hereditary cancer-predisposing syndrome. Also called: Neoplastic Syndromes, Hereditary; Hereditary neoplastic syndrome; Hereditary Cancer Syndrome; Tumor predisposition. Identifiers: Orphanet 140162, MedGen C0027672, MeSH D009386, MONDO:0015356.
POLD1-related polyposis and colorectal cancer syndrome (CRCS10). Also called: Colorectal cancer, susceptibility to, 10; Colorectal cancer 10; COLORECTAL CANCER, SUSCEPTIBILITY TO, ON CHROMOSOME 19q. Identifiers: Orphanet 220460, MedGen C2675481, MONDO:0012953, OMIM 612591.

Allele frequency attached by ClinVar (database versions not stated): gnomAD exomes below 0.00001; TOPMed below 0.00001; gnomAD 0.00001.
gnomAD v4.1: 6 of 1,606,744 alleles (0.00037%); highest among the groups gnomAD compares: Admixed American, 0.0017%; no homozygotes.

Submissions (6):

Labcorp Genetics (formerly Invitae), Labcorp
Classification: Uncertain significance for POLD1-related polyposis and colorectal cancer syndrome. Last evaluated: 2025-12-14. Review status: criteria provided, single submitter. Criteria: Invitae Variant Classification Sherloc (09022015). Collection method: clinical testing. Allele origin: germline.
Comment: This sequence change replaces alanine, which is neutral and non-polar, with serine, which is neutral and polar, at codon 221 of the POLD1 protein (p.Ala221Ser). The frequency data for this variant in the population databases is considered unreliable, as metrics indicate poor data quality at this position in the gnomAD database. This variant has not been reported in the literature in individuals affected with POLD1-related conditions. ClinVar contains an entry for this variant (Variation ID: 408074). Invitae Evidence Modeling of protein sequence and biophysical properties (such as structural, functional, and spatial information, amino acid conservation, physicochemical variation, residue mobility, and thermodynamic stability) indicates that this missense variant is not expected to disrupt POLD1 protein function with a negative predictive value of 80%. In summary, the available evidence is currently insufficient to determine the role of this variant in disease. Therefore, it has been classified as a Variant of Uncertain Significance.

Ambry Genetics
Classification: Uncertain significance for Hereditary cancer-predisposing syndrome. Last evaluated: 2025-12-09. Review status: criteria provided, single submitter. Criteria: Ambry Variant Classification Scheme 2023. Collection method: clinical testing. Allele origin: germline.

Dasa
Classification: Uncertain significance. Last evaluated: 2025-08-04. Review status: criteria provided, single submitter. Criteria: DASA Assertion Criteria. Collection method: clinical testing. Allele origin: germline.
Comment: NM_002691.4(POLD1):c.661G>T (p.Ala221Ser) is a missense variant that results in the substitution of alanine with serine. This variant is rare in population databases. Computational prediction algorithms are consistent with a benign effect. The currently available literature and clinical evidence are not sufficient to establish a definitive association between this variant and the reported condition. Therefore, this variant is classified as a variant of uncertain significance.

Department of Pathology and Laboratory Medicine, Sinai Health System
Classification: Uncertain significance for Polymerase proofreading-related adenomatous polyposis; Familial colorectal cancer type X. Last evaluated: 2023-09-27. Review status: criteria provided, single submitter. Criteria: ACMG Guidelines, 2015. Collection method: clinical testing. Allele origin: germline. Affected: yes.

GeneDx
Classification: Uncertain significance. Last evaluated: 2023-08-07. Review status: criteria provided, single submitter. Criteria: GeneDx Variant Classification Process June 2021. Collection method: clinical testing. Allele origin: germline. Affected: yes.
Comment: Not observed at significant frequency in large population cohorts (gnomAD); In silico analysis supports that this missense variant does not alter protein structure/function; Has not been previously published as pathogenic or benign to our knowledge

Eurofins Ntd Llc (ga)
Classification: Uncertain significance. Last evaluated: 2016-10-20. Review status: criteria provided, single submitter. Criteria: EGL Classification Definitions 2015. Collection method: clinical testing. Allele origin: germline. Observed: 1 variant allele, 1 heterozygote.

NM_002691.4(POLD1):c.661G>T (p.Ala221Ser)

Gene: POLD1 (DNA polymerase delta 1, catalytic subunit; plus strand). Cytogenetic location: 19q13.33.
Variant type: single nucleotide variant.
Coding change: c.661G>T on transcript NM_002691.4 (MANE Select); coding-DNA position 661, G replaced by T.
Protein change: p.Ala221Ser; replaces alanine 221 with serine.
Molecular consequence: missense variant. On other transcripts: non-coding transcript variant (1).
Genome position (GRCh38, 1-based): chr19:50,402,276, G>T. VCF-style: chr19-50402276-G-T. GRCh37 (hg19) VCF-style: chr19-50905533-G-T.
Other names: c.661G>T, p.Ala221Ser (NM_001256849.1, NM_001308632.1); short protein forms A221S.
Identifiers: ClinVar variation 408074 (VCV000408074.23), dbSNP rs1023405690, ClinGen allele CA16616351.